The following is an entry in ClinVar:

ClinVar aggregate classification (germline): Uncertain significance (1 of 4 stars; one submission).

Conditions:
Epidermolysis bullosa simplex 5B, with muscular dystrophy (EBS5B). Also called: EPIDERMOLYSIS BULLOSA SIMPLEX AND LIMB-GIRDLE MUSCULAR DYSTROPHY; Epidermolysis bullosa simplex with muscular dystrophy. Identifiers: Orphanet 257, MedGen C2931072, MONDO:0009181, OMIM 226670.
Epidermolysis bullosa simplex, Ogna type (EBS5A). Also called: EPIDERMOLYSIS BULLOSA SIMPLEX 5A, OGNA TYPE; Pidermolysis bullosa simplex 5A, Ogna type. Identifiers: Orphanet 79401, MedGen C0432317, MONDO:0007555, OMIM 131950.
Epidermolysis bullosa simplex 5C, with pyloric atresia (EBS5C). Also called: Epidermolysis bullosa simplex with pyloric atresia; PLEC-Related Epidermolysis Bullosa with Pyloric Atresia; PLEC1-Related Epidermolysis Bullosa with Pyloric Atresia. Identifiers: Orphanet 158684, MedGen C2677349, MONDO:0012807, OMIM 612138.
Autosomal recessive limb-girdle muscular dystrophy type 2Q (LGMDR17). Also called: MUSCULAR DYSTROPHY, LIMB-GIRDLE, AUTOSOMAL RECESSIVE 17. Identifiers: Orphanet 254361, MedGen C3150989, MONDO:0013390, OMIM 613723.
Epidermolysis bullosa simplex with nail dystrophy (EBS5D). Identifiers: MedGen C4225309, MONDO:0014661, OMIM 616487.

Allele frequency attached by ClinVar (database versions not stated): gnomAD exomes 0.00001 and 0.00002.
gnomAD v4.1: 4 of 1,559,296 alleles (0.00026%); highest among the groups gnomAD compares: Admixed American, 0.0036%; no homozygotes.

Submission:

Labcorp Genetics (formerly Invitae), Labcorp
Classification: Uncertain significance for Autosomal recessive limb-girdle muscular dystrophy type 2Q; Epidermolysis bullosa simplex, Ogna type; Epidermolysis bullosa simplex with nail dystrophy; Epidermolysis bullosa simplex 5C, with pyloric atresia; Epidermolysis bullosa simplex 5B, with muscular dystrophy. Last evaluated: 2023-04-27. Review status: criteria provided, single submitter. Criteria: Invitae Variant Classification Sherloc (09022015). Collection method: clinical testing. Allele origin: germline.
Comment: In summary, the available evidence is currently insufficient to determine the role of this variant in disease. Therefore, it has been classified as a Variant of Uncertain Significance. Experimental studies and prediction algorithms are not available or were not evaluated, and the functional significance of this variant is currently unknown. ClinVar contains an entry for this variant (Variation ID: 1017877). This variant has not been reported in the literature in individuals affected with PLEC-related conditions. The frequency data for this variant in the population databases is considered unreliable, as metrics indicate poor data quality at this position in the gnomAD database. This sequence change replaces alanine, which is neutral and non-polar, with threonine, which is neutral and polar, at codon 1617 of the PLEC protein (p.Ala1617Thr).

NM_201384.3(PLEC):c.4768G>A (p.Ala1590Thr)

Gene: PLEC (plectin; minus strand). Cytogenetic location: 8q24.3.
Variant type: single nucleotide variant.
Coding change: c.4768G>A on transcript NM_201384.3 (MANE Select); coding-DNA position 4768, G replaced by A.
Protein change: p.Ala1590Thr; replaces alanine 1590 with threonine.
Molecular consequence: missense variant.
Genome position (GRCh38, 1-based): chr8:143,925,161, C>T on the plus strand (G>A on the coding strand, the complement: PLEC is on the minus strand). VCF-style: chr8-143925161-C-T. GRCh37 (hg19) VCF-style: chr8-144999329-C-T.
Other names: c.5179G>A, p.Ala1727Thr (NM_201380.4); c.4672G>A, p.Ala1558Thr (NM_201381.3); c.4768G>A, p.Ala1590Thr (NM_201382.4); c.4780G>A, p.Ala1594Thr (NM_201383.3); c.4849G>A, p.Ala1617Thr (NM_000445.5); c.4726G>A, p.Ala1576Thr (NM_201378.4); c.4702G>A, p.Ala1568Thr (NM_201379.3); short protein forms A1558T, A1568T, A1576T, A1590T, A1594T, A1617T, A1727T.
Identifiers: ClinVar variation 1017877 (VCV001017877.5), dbSNP rs1554701000, ClinGen allele CA372553165.
Genomic context (GRCh38, chr8:143,925,161, plus strand): 5'-CCTCCTCCCGCAGCTGTGCCACAGCCACGTGTTCCTCCTGCAGGGAGCGCTCCAGCTGTG[C>T]CGTCTTCTCGGCGAAGGAGGCGCGTTTGCTCTGCAGCTCCGCCTCTGCACTGCGCTGCGC-3'
Protein context (NP_958786.1, residues 1580-1600): SKRASFAEKT[Ala1590Thr]QLERSLQEEH